The following is an entry in ClinVar:

ClinVar aggregate classification (germline): Uncertain significance (1 of 4 stars; one submission).

Conditions:
IQGAP3-related disorder. Also called: IQGAP3-related condition.

Submission:

PreventionGenetics, part of Exact Sciences
Classification: Uncertain significance for IQGAP3-related condition. Last evaluated: 2023-04-24. Review status: criteria provided, single submitter. Criteria: ACMG Guidelines, 2015. Collection method: clinical testing. Allele origin: germline.
Comment: The IQGAP3 c.1132C>T variant is predicted to result in the amino acid substitution p.Leu378Phe. To our knowledge, this variant has not been reported in the literature or in a large population database, indicating this variant is rare. At this time, the clinical significance of this variant is uncertain due to the absence of conclusive functional and genetic evidence.

NM_178229.5(IQGAP3):c.1132C>T (p.Leu378Phe)

Gene: IQGAP3 (IQ motif containing GTPase activating protein 3; minus strand). Cytogenetic location: 1q22.
Variant type: single nucleotide variant.
Coding change: c.1132C>T on transcript NM_178229.5 (MANE Select); coding-DNA position 1132, C replaced by T.
Protein change: p.Leu378Phe; replaces leucine 378 with phenylalanine.
Molecular consequence: missense variant.
Genome position (GRCh38, 1-based): chr1:156,556,691, G>A on the plus strand (C>T on the coding strand, the complement: IQGAP3 is on the minus strand). VCF-style: chr1-156556691-G-A. GRCh37 (hg19) VCF-style: chr1-156526483-G-A.
Other names: short protein forms L378F.
Identifiers: ClinVar variation 2633330 (VCV002633330.1), dbSNP rs2525832275, ClinGen allele CA342886027.